The following is an entry in ClinVar:

NM_003128.3(SPTBN1):c.336C>T (p.Cys112=)

Gene: SPTBN1 (spectrin beta, non-erythrocytic 1; plus strand). Cytogenetic location: 2p16.2.
Variant type: single nucleotide variant.
Coding change: c.336C>T on transcript NM_003128.3 (MANE Select); coding-DNA position 336, C replaced by T.
Protein change: p.Cys112=; no amino-acid change (cysteine 112 retained).
Molecular consequence: synonymous variant.
Genome position (GRCh38, 1-based): chr2:54,612,196, C>T. VCF-style: chr2-54612196-C-T. GRCh37 (hg19) VCF-style: chr2-54839333-C-T.
Other names: c.297C>T, p.Cys99= (NM_178313.3).
Identifiers: ClinVar variation 721896 (VCV000721896.14), dbSNP rs200136972, ClinGen allele CA1660099.
Genomic context (GRCh38, chr2:54,612,196, plus strand): 5'-TCTACCTCTGCTCTCCTGTTTCTAGCCTAAACCCACCAAGGGACGAATGCGCATCCACTG[C>T]TTAGAGAATGTGGACAAGGCCCTTCAGTTCCTGAAGGAGCAGAGAGTCCATCTTGAGAAC-3'
Protein context (NP_003119.2, residues 102-122): KPTKGRMRIH[Cys112=]LENVDKALQF

ClinVar aggregate classification (germline): Benign/Likely benign. Review status: criteria provided, multiple submitters, no conflicts (2 of 4 stars). 3 submissions from 3 submitters: Benign (1); Likely benign (2). Last evaluated 2025-05-01.

Allele frequency attached by ClinVar (database versions not stated): gnomAD exomes 0.00006 and 0.00029; gnomAD 0.00010 and 0.00017; TOPMed 0.00011; ExAC 0.00027; 1000 Genomes Project 30x 0.00125; 1000 Genomes Project 0.00160.
gnomAD v4.1: 120 of 1,612,718 alleles (0.0074%); highest among the groups gnomAD compares: East Asian, 0.22%; no homozygotes.

Submissions (3):

CeGaT Center for Human Genetics Tuebingen
Classification: Likely benign. Last evaluated: 2025-05-01. Review status: criteria provided, single submitter. Criteria: CeGaT Center For Human Genetics Tuebingen Variant Classification Criteria Version 2. Collection method: clinical testing. Allele origin: germline. Affected: yes. Observed: 1 variant allele.
Comment: SPTBN1: BP4, BP7

Blueprint Genetics
Classification: Likely benign. Last evaluated: 2024-03-22. Review status: criteria provided, single submitter. Criteria: ACMG Guidelines, 2015. Collection method: clinical testing. Allele origin: germline.

Labcorp Genetics (formerly Invitae), Labcorp
Classification: Benign. Last evaluated: 2018-01-30. Review status: criteria provided, single submitter. Criteria: Invitae Variant Classification Sherloc (09022015). Collection method: clinical testing. Allele origin: germline.